The following is an entry in ClinVar:

ClinVar aggregate classification (germline): other (0 of 4 stars; one submission).

Conditions:
Familial colorectal cancer. Identifiers: MedGen CN280943, MONDO:0023113. Disease mechanism: loss of function.

Allele frequency attached by ClinVar (database versions not stated): gnomAD 0.05256 and 0.05533; TOPMed 0.05992; 1000 Genomes Project 0.07388; 1000 Genomes Project 30x 0.07542.
gnomAD v4.1: 7,924 of 152,154 alleles (5.2%); highest among the groups gnomAD compares: African/African-American, 17%; 574 homozygotes.

Submission:

Systems Biology Platform Zhejiang California International NanoSystems Institute
Classification: other for Familial colorectal cancer. Review status: no assertion criteria provided. Collection method: not provided. Allele origin: unknown.
ClinVar note: Converted during submission from cancer to other.

NM_000038.6(APC):c.531+1517T>C

Gene: APC (APC regulator of WNT signaling pathway; plus strand). Cytogenetic location: 5q22.2.
Variant type: single nucleotide variant.
Coding change: c.531+1517T>C on transcript NM_000038.6 (MANE Select); 1517 bases into the intron after coding-DNA position 531, T replaced by C.
Molecular consequence: intron variant.
Genome position (GRCh38, 1-based): chr5:112,777,254, T>C. VCF-style: chr5-112777254-T-C. GRCh37 (hg19) VCF-style: chr5-112112951-T-C.
Other names: c.531+1517T>C (NM_001354895.2, NM_001127510.3, NM_001354896.2 and 2 more transcripts); c.561+1517T>C (NM_001354897.2, NM_001354902.2, NM_001127511.3); c.456+1517T>C (NM_001354898.2, NM_001354904.2); c.-505+1517T>C (NM_001354906.2); c.354+1517T>C (NM_001354900.2, NM_001354901.2, NM_001354905.2).
Identifiers: ClinVar variation 82922 (VCV000082922.2), dbSNP rs77941389, ClinGen allele CA010112.